The following is an entry in ClinVar:

NM_001282680.3(GAPVD1):c.2791C>T (p.Pro931Ser)

Gene: GAPVD1 (GTPase activating protein and VPS9 domains 1; plus strand). Cytogenetic location: 9q33.3.
Variant type: single nucleotide variant.
Coding change: c.2791C>T on transcript NM_001282680.3 (MANE Select); coding-DNA position 2791, C replaced by T.
Protein change: p.Pro931Ser; replaces proline 931 with serine.
Molecular consequence: missense variant. On other transcripts: non-coding transcript variant (2).
Genome position (GRCh38, 1-based): chr9:125,337,505, C>T. VCF-style: chr9-125337505-C-T. GRCh37 (hg19) VCF-style: chr9-128099784-C-T.
Other names: c.2791C>T, p.Pro931Ser (NM_001282679.2, NM_001330778.3, NM_001354294.2 and 4 more transcripts); c.2728C>T, p.Pro910Ser (NM_001282681.3, NM_001330777.3, NM_001354297.2 and 1 more transcripts); c.2872C>T, p.Pro958Ser (NM_001354298.2, NM_015635.4); short protein forms P910S, P931S, P958S.
Identifiers: ClinVar variation 3037570 (VCV003037570.2), dbSNP rs62637637, ClinGen allele CA5240536.

ClinVar aggregate classification (germline): Benign (0 of 4 stars; one submission).

Conditions:
GAPVD1-related disorder. Also called: GAPVD1-related condition.

Allele frequency attached by ClinVar (database versions not stated): gnomAD exomes 0.00048; ExAC 0.00140; gnomAD 0.00506; ESP Exome Variant Server 0.00523; TOPMed 0.00549; 1000 Genomes Project 30x 0.00562; 1000 Genomes Project 0.00599.
gnomAD v4.1: 1,521 of 1,614,160 alleles (0.094%); highest among the groups gnomAD compares: African/African-American, 1.8%; 21 homozygotes.

Submission:

PreventionGenetics, part of Exact Sciences
Classification: Benign for GAPVD1-related condition. Last evaluated: 2019-04-05. Review status: no assertion criteria provided. Collection method: clinical testing. Allele origin: germline.
Comment: This variant is classified as benign based on ACMG/AMP sequence variant interpretation guidelines (Richards et al. 2015 PMID: 25741868, with internal and published modifications).